The following is an entry in ClinVar:

ClinVar aggregate classification (germline): Uncertain significance. Review status: criteria provided, multiple submitters, no conflicts (2 of 4 stars). 2 submissions from 2 submitters: Uncertain significance (2). Last evaluated 2025-08-14.

Allele frequency attached by ClinVar (database versions not stated): gnomAD exomes 0.00004 and 0.00003; gnomAD 0.00003 and below 0.00001; TOPMed 0.00001; ExAC 0.00004.
gnomAD v4.1: 48 of 1,613,922 alleles (0.003%); highest among the groups gnomAD compares: South Asian, 0.045%; no homozygotes.

Submissions (2):

GeneDx
Classification: Uncertain significance. Last evaluated: 2025-08-14. Review status: criteria provided, single submitter. Criteria: GeneDx Variant Classification Process June 2021. Collection method: clinical testing. Allele origin: germline. Affected: yes.
Comment: In silico analysis suggests that this missense variant does not alter protein structure/function; Has not been previously published as pathogenic or benign to our knowledge

Athena Diagnostics
Classification: Uncertain significance. Last evaluated: 2019-07-31. Review status: criteria provided, single submitter. Criteria: Athena Diagnostics Criteria. Collection method: clinical testing. Allele origin: germline.

NM_017433.5(MYO3A):c.1935G>T (p.Glu645Asp)

Gene: MYO3A (myosin IIIA; plus strand). Cytogenetic location: 10p12.1.
Variant type: single nucleotide variant.
Coding change: c.1935G>T on transcript NM_017433.5 (MANE Select); coding-DNA position 1935, G replaced by T.
Protein change: p.Glu645Asp; replaces glutamic acid 645 with aspartic acid.
Molecular consequence: missense variant.
Genome position (GRCh38, 1-based): chr10:26,125,429, G>T. VCF-style: chr10-26125429-G-T. GRCh37 (hg19) VCF-style: chr10-26414358-G-T.
Other names: short protein forms E645D.
Identifiers: ClinVar variation 805064 (VCV000805064.2), dbSNP rs745768108, ClinGen allele CA5444825.
Genomic context (GRCh38, chr10:26,125,429, plus strand): 5'-TTCTAACAATGCATCTGTTTGTTTTTCAGGTGCTTCTTTGCTTTGCATTCGGGCAGATGA[G>T]CTACAAGAAGCTCTCACCTCCCACTGTGTGGTCACTAGAGGAGAAACAATTATACGACCC-3'
Protein context (NP_059129.3, residues 635-655): CASLLCIRAD[Glu645Asp]LQEALTSHCV